The following is an entry in ClinVar:

ClinVar aggregate classification (germline): Uncertain significance (1 of 4 stars; one submission).

Conditions:
Ullrich congenital muscular dystrophy 2 (UCMD2). Identifiers: Orphanet 75840, MedGen C4225314, MONDO:0014654, OMIM 616470.
Bethlem myopathy 2 (BTHLM2). Identifiers: Orphanet 536516, Orphanet 610, MedGen C4225313, MONDO:0034022, OMIM 616471.

gnomAD v4.1: 9 of 1,612,694 alleles (0.00056%); highest among the groups gnomAD compares: Non-Finnish European, 0.00076%; no homozygotes.

Submission:

Labcorp Genetics (formerly Invitae), Labcorp
Classification: Uncertain significance for Bethlem myopathy 2; Ullrich congenital muscular dystrophy 2. Last evaluated: 2026-01-05. Review status: criteria provided, single submitter. Criteria: Invitae Variant Classification Sherloc (09022015). Collection method: clinical testing. Allele origin: germline.
Comment: This sequence change replaces glycine, which is neutral and non-polar, with arginine, which is basic and polar, at codon 1131 of the COL12A1 protein (p.Gly1131Arg). This variant is not present in population databases (gnomAD no frequency). This variant has not been reported in the literature in individuals affected with COL12A1-related conditions. Invitae Evidence Modeling of protein sequence and biophysical properties (such as structural, functional, and spatial information, amino acid conservation, physicochemical variation, residue mobility, and thermodynamic stability) indicates that this missense variant is not expected to disrupt COL12A1 protein function with a negative predictive value of 80%. In summary, the available evidence is currently insufficient to determine the role of this variant in disease. Therefore, it has been classified as a Variant of Uncertain Significance.

NM_004370.6(COL12A1):c.3391G>A (p.Gly1131Arg)

Gene: COL12A1 (collagen type XII alpha 1 chain; minus strand). Cytogenetic location: 6q13.
Variant type: single nucleotide variant.
Coding change: c.3391G>A on transcript NM_004370.6 (MANE Select); coding-DNA position 3391, G replaced by A.
Protein change: p.Gly1131Arg; replaces glycine 1131 with arginine.
Molecular consequence: missense variant. On other transcripts: intron variant (2).
Genome position (GRCh38, 1-based): chr6:75,155,714, C>T on the plus strand (G>A on the coding strand, the complement: COL12A1 is on the minus strand). VCF-style: chr6-75155714-C-T. GRCh37 (hg19) VCF-style: chr6-75865430-C-T.
Other names: c.3391G>A, p.Gly1131Arg (NM_001424113.1, NM_001424114.1); c.3118G>A, p.Gly1040Arg (NM_001424115.1); c.74-3232G>A (NM_001424116.1, NM_080645.3); short protein forms G1131R, G1040R.
Identifiers: ClinVar variation 4788215 (VCV004788215.1).